The following is an entry in ClinVar:

ClinVar aggregate classification (germline): Uncertain significance (1 of 4 stars; one submission).

Conditions:
PLXNA4-related disorder. Also called: PLXNA4-related condition.

Submission:

PreventionGenetics, part of Exact Sciences
Classification: Uncertain significance for PLXNA4-related condition. Last evaluated: 2026-06-29. Review status: criteria provided, single submitter. Criteria: ACMG Guidelines, 2015. Collection method: clinical testing. Allele origin: germline.
Comment: The PLXNA4 c.3298G>A variant is predicted to result in the amino acid substitution p.Ala1100Thr. To our knowledge, this variant has not been reported in the literature. This variant is reported in 0.0098% of alleles in individuals of South Asian descent in gnomAD. At this time, the clinical significance of this variant is uncertain due to the absence of conclusive functional and genetic evidence.

NM_020911.2(PLXNA4):c.3298G>A (p.Ala1100Thr)

Gene: PLXNA4 (plexin A4; minus strand). Cytogenetic location: 7q32.3.
Variant type: single nucleotide variant.
Coding change: c.3298G>A on transcript NM_020911.2 (MANE Select); coding-DNA position 3298, G replaced by A.
Protein change: p.Ala1100Thr; replaces alanine 1100 with threonine.
Molecular consequence: missense variant.
Genome position (GRCh38, 1-based): chr7:132,181,575, C>T on the plus strand (G>A on the coding strand, the complement: PLXNA4 is on the minus strand). VCF-style: chr7-132181575-C-T. GRCh37 (hg19) VCF-style: chr7-131866334-C-T.
Other names: c.3298G>A, p.Ala1100Thr (NM_001393897.1); short protein forms A1100T.
Identifiers: ClinVar variation 4982166 (VCV004982166.1).